The following is an entry in ClinVar:

NM_000440.3(PDE6A):c.1963C>T (p.His655Tyr)

Gene: PDE6A (phosphodiesterase 6A; minus strand). Cytogenetic location: 5q32.
Variant type: single nucleotide variant.
Coding change: c.1963C>T on transcript NM_000440.3 (MANE Select); coding-DNA position 1963, C replaced by T.
Protein change: p.His655Tyr; replaces histidine 655 with tyrosine.
Molecular consequence: missense variant.
Genome position (GRCh38, 1-based): chr5:149,884,543, G>A on the plus strand (C>T on the coding strand, the complement: PDE6A is on the minus strand). VCF-style: chr5-149884543-G-A. GRCh37 (hg19) VCF-style: chr5-149264106-G-A.
Other names: short protein forms H655Y.
Identifiers: ClinVar variation 93010 (VCV000093010.28), dbSNP rs78775072, ClinGen allele CA146174.
Genomic context (GRCh38, chr5:149,884,543, plus strand): 5'-AATACAGGGCGAGGTCTGTGGCAATGATTGCAATGTCCATCATGTGGATGGCATGCTCAT[G>A]CTGTCGACGATTGAGGTTTTGAAAGATATTCAGGCTCTAAAGAAAAAAAGAGAAGCGAGA-3'
Protein context (NP_000431.2, residues 645-665): NIFQNLNRRQ[His655Tyr]EHAIHMMDIA

ClinVar aggregate classification (germline): Conflicting classifications of pathogenicity. Review status: criteria provided, conflicting classifications (1 of 4 stars). 5 submissions from 5 submitters: Uncertain significance (1); Benign (4). Last evaluated 2026-02-01.

Conditions:
Retinitis pigmentosa (RP). Identifiers: Orphanet 791, MedGen C0035334, MeSH D012174, MONDO:0019200, OMIM 268000. Inheritance: Autosomal dominant, autosomal recessive and X linked inheritance.
Retinitis pigmentosa 43 (RP43). Identifiers: Orphanet 791, MedGen C3151139, MONDO:0013437, OMIM 613810.

Allele frequency attached by ClinVar (database versions not stated): ExAC 0.01601; 1000 Genomes Project 0.00539; TOPMed 0.01553; 1000 Genomes Project 30x 0.00500; gnomAD exomes 0.01580 and 0.02582; ESP Exome Variant Server 0.02091; gnomAD 0.01605 and 0.01647.
gnomAD v4.1: 39,819 of 1,613,378 alleles (2.5%); highest among the groups gnomAD compares: Non-Finnish European, 3.1%; 637 homozygotes.

Submissions (14):

Labcorp Genetics (formerly Invitae), Labcorp
Classification: Benign. Last evaluated: 2026-02-01. Review status: criteria provided, single submitter. Criteria: Invitae Variant Classification Sherloc (09022015). Collection method: clinical testing. Allele origin: germline.

ARUP Laboratories, Molecular Genetics and Genomics, ARUP Laboratories
Classification: Benign for Retinitis pigmentosa 43. Last evaluated: 2023-11-01. Review status: criteria provided, single submitter. Criteria: ARUP Molecular Germline Variant Investigation Process 2024. Collection method: clinical testing. Allele origin: germline.

Illumina Laboratory Services, Illumina
Classification: Uncertain significance for Retinitis pigmentosa. Last evaluated: 2017-04-27. Review status: criteria provided, single submitter. Criteria: ICSL Variant Classification Criteria 13 December 2019. Collection method: clinical testing. Allele origin: germline.
Comment: This variant was observed as part of a predisposition screen in an ostensibly healthy population. A literature search was performed for the gene, cDNA change, and amino acid change (where applicable). Publications were found based on this search. However, the evidence from the literature, in combination with allele frequency data from public databases where available, was not sufficient to rule this variant in or out of causing disease. Therefore, this variant is classified as a variant of unknown significance.

GeneDx
Classification: Benign. Last evaluated: 2015-03-03. Review status: criteria provided, single submitter. Criteria: GeneDx Variant Classification Process June 2021. Collection method: clinical testing. Allele origin: germline. Affected: yes.

Eurofins Ntd Llc (ga)
Classification: Benign. Last evaluated: 2013-09-10. Review status: criteria provided, single submitter. Criteria: EGL Classification Definitions 2015. Collection method: clinical testing. Allele origin: germline. Observed: 1 variant allele, 1 heterozygote.

Dr. Peter K. Rogan Lab, Western University
No classification provided (evidence only). Condition: Melanoma. Review status: no classification provided. Collection method: in vitro. Allele origin: not applicable. Functional consequence: retained intron. Not counted in ClinVar's aggregate classification.

Dr. Peter K. Rogan Lab, Western University
No classification provided (evidence only). Condition: Uterine corpus endometrial carcinoma. Review status: no classification provided. Collection method: in vitro. Allele origin: not applicable. Functional consequence: retained intron. Not counted in ClinVar's aggregate classification.

Dr. Peter K. Rogan Lab, Western University
No classification provided (evidence only). Condition: Uterine corpus endometrial carcinoma. Review status: no classification provided. Collection method: in vitro. Allele origin: not applicable. Functional consequence: retained intron. Not counted in ClinVar's aggregate classification.

Dr. Peter K. Rogan Lab, Western University
No classification provided (evidence only). Condition: Cervical cancer. Review status: no classification provided. Collection method: in vitro. Allele origin: not applicable. Functional consequence: retained intron. Not counted in ClinVar's aggregate classification.

Dr. Peter K. Rogan Lab, Western University
No classification provided (evidence only). Condition: Sarcoma. Review status: no classification provided. Collection method: in vitro. Allele origin: not applicable. Functional consequence: retained intron. Not counted in ClinVar's aggregate classification.

Dr. Peter K. Rogan Lab, Western University
No classification provided (evidence only). Condition: Malignant tumor of esophagus. Review status: no classification provided. Collection method: in vitro. Allele origin: not applicable. Functional consequence: retained intron. Not counted in ClinVar's aggregate classification.

Dr. Peter K. Rogan Lab, Western University
No classification provided (evidence only). Condition: Lymphoma. Review status: no classification provided. Collection method: in vitro. Allele origin: not applicable. Functional consequence: retained intron. Not counted in ClinVar's aggregate classification.

Dr. Peter K. Rogan Lab, Western University
No classification provided (evidence only). Condition: Lymphoma. Review status: no classification provided. Collection method: in vitro. Allele origin: not applicable. Functional consequence: retained intron. Not counted in ClinVar's aggregate classification.

Dr. Peter K. Rogan Lab, Western University
No classification provided (evidence only). Condition: Ovarian cancer. Review status: no classification provided. Collection method: in vitro. Allele origin: not applicable. Functional consequence: retained intron. Not counted in ClinVar's aggregate classification.

Literature cited by the submitters: PubMed 25999674 (cited by Illumina Laboratory Services, Illumina); PubMed 21147909 (cited by Illumina Laboratory Services, Illumina); PubMed 24512775 (cited by Illumina Laboratory Services, Illumina).